The following is an entry in ClinVar:

NM_198578.4(LRRK2):c.7475G>T (p.Cys2492Phe)

Gene: LRRK2 (leucine rich repeat kinase 2; plus strand). Cytogenetic location: 12q12.
Variant type: single nucleotide variant.
Coding change: c.7475G>T on transcript NM_198578.4 (MANE Select); coding-DNA position 7475, G replaced by T.
Protein change: p.Cys2492Phe; replaces cysteine 2492 with phenylalanine.
Molecular consequence: missense variant.
Genome position (GRCh38, 1-based): chr12:40,367,656, G>T. VCF-style: chr12-40367656-G-T. GRCh37 (hg19) VCF-style: chr12-40761458-G-T.
Other names: short protein forms C2492F.
Identifiers: ClinVar variation 931900 (VCV000931900.3), dbSNP rs774904977, ClinGen allele CA384416035.

ClinVar aggregate classification (germline): Uncertain significance (1 of 4 stars; one submission).

Conditions:
Autosomal dominant Parkinson disease 8. Also called: Parkinson disease 8, susceptibility to; LRRK2-Related Parkinson Disease; Parkinson disease 8. Identifiers: Orphanet 411602, MedGen C1846862, MONDO:0011764, OMIM 607060.

Submission:

Centre for Mendelian Genomics, University Medical Centre Ljubljana
Classification: Uncertain significance for Autosomal dominant Parkinson disease 8. Last evaluated: 2020-03-26. Review status: criteria provided, single submitter. Criteria: ACMG Guidelines, 2015. Collection method: clinical testing. Allele origin: unknown. Affected: yes.
Comment: This variant was classified as: Uncertain significance. The available evidence on this variant's pathogenicity is insufficient or conflicting. The following ACMG criteria were applied in classifying this variant: PM2,BP4.